The following is an entry in ClinVar:

NM_000256.3(MYBPC3):c.3330+5G>T

Gene: MYBPC3 (myosin binding protein C3; minus strand). Cytogenetic location: 11p11.2.
Variant type: single nucleotide variant.
Coding change: c.3330+5G>T on transcript NM_000256.3 (MANE Select); 5 bases into the intron after coding-DNA position 3330, G replaced by T.
Molecular consequence: intron variant.
Genome position (GRCh38, 1-based): chr11:47,333,189, C>A on the plus strand (G>T on the coding strand, the complement: MYBPC3 is on the minus strand). VCF-style: chr11-47333189-C-A. GRCh37 (hg19) VCF-style: chr11-47354740-C-A.
Identifiers: ClinVar variation 42707 (VCV000042707.17), dbSNP rs373746463, ClinGen allele CA013974.

ClinVar aggregate classification (germline): Pathogenic/Likely pathogenic. Review status: criteria provided, multiple submitters, no conflicts (2 of 4 stars). 4 submissions from 4 submitters: Pathogenic (1); Likely pathogenic (3). Last evaluated 2025-12-19.

Conditions:
Hypertrophic cardiomyopathy. Also called: HYPERTROPHIC MYOCARDIOPATHY. Identifiers: Orphanet 217569, MedGen C0007194, MeSH D002312, MONDO:0005045, HP:0001639.
Cardiovascular phenotype. Identifiers: MedGen CN230736.

Submissions (4):

Labcorp Genetics (formerly Invitae), Labcorp
Classification: Pathogenic for Hypertrophic cardiomyopathy. Last evaluated: 2025-12-19. Review status: criteria provided, single submitter. Criteria: Invitae Variant Classification Sherloc (09022015). Collection method: clinical testing. Allele origin: germline.
Comment: This sequence change falls in intron 30 of the MYBPC3 gene. It does not directly change the encoded amino acid sequence of the MYBPC3 protein. It affects a nucleotide within the consensus splice site. This variant is not present in population databases (gnomAD no frequency). This variant has been observed in individual(s) with hypertrophic cardiomyopathy (PMID: 25611685; internal data). It has also been observed to segregate with disease in related individuals. ClinVar contains an entry for this variant (Variation ID: 42707). Variants that disrupt the consensus splice site are a relatively common cause of aberrant splicing (PMID: 17576681, 9536098). Studies have shown that this variant alters mRNA splicing and is expected to lead to the loss of protein expression (PMID: 28679633). This variant disrupts the c.3330+5G nucleotide in the MYBPC3 gene. Other variant(s) that disrupt this nucleotide have been determined to be pathogenic (PMID: 7493025, 25132132, 28679633). This suggests that this nucleotide is clinically significant, and that variants that disrupt this position are likely to be disease-causing. For these reasons, this variant has been classified as Pathogenic.

GeneDx
Classification: Likely pathogenic. Last evaluated: 2025-01-17. Review status: criteria provided, single submitter. Criteria: GeneDx Variant Classification Process June 2021. Collection method: clinical testing. Allele origin: germline. Affected: yes.
Comment: Identified in patients with HCM referred for genetic testing at GeneDx and in published literature (PMID: 25611685, 36264615, 37652022); Not observed at significant frequency in large population cohorts (gnomAD); In silico analysis suggests this variant may impact gene splicing. In the absence of RNA/functional studies, the actual effect of this sequence change is unknown.; This variant is associated with the following publications: (PMID: 28679633, 7493025, 25132132, 36264615, 37652022, 34461741, 25611685, 23782526, 24704860, 25351510, 28138913)

Ambry Genetics
Classification: Likely pathogenic for Cardiovascular phenotype. Last evaluated: 2015-09-21. Review status: criteria provided, single submitter. Criteria: Ambry General Variant Classification Scheme_2022. Collection method: clinical testing. Allele origin: germline. Observed: 1 variant allele.
Comment: The c.3330+5G>T intronic variant results from a G to T substitution 5 nucleotides after coding exon 30 in the MYBPC3 gene. This variant was not reported in population based cohorts in the following databases: Database of Single Nucleotide Polymorphisms (dbSNP), NHLBI Exome Sequencing Project (ESP), and 1000 Genomes Project. In the ESP, this variant was not observed in 6194 samples (12388 alleles) with coverage at this position. This nucleotide position is highly conserved in available vertebrate species. Using two different splice site prediction tools, this alteration is predicted by BDGP to abolish the native splice donor site, and is predicted to weaken (but not abolish) the efficiency of the native splice donor site by ESEfinder; however, direct evidence is unavailable. In addition, alterations at the same position (c.3330+5G>C and c.3330+5G>A) have been reported in association with hypertrophic cardiomyopathy (HCM) (Watkins et al. Nat. Genet.1995 Dec;11(4):434-7; Wang J et al. Eur J Heart Fail. 2014;16(9):950-7). The c.3330+5G>C, alteration segregated with disease in two families, and was reported to result in abnormal splicing leading to skipping of exon 30 and predicted premature protein truncation (Watkins et al. Nat. Genet.1995 Dec;11(4):434-7). Based on the majority of available evidence to date, this variant is likely to be pathogenic.

Laboratory for Molecular Medicine, Mass General Brigham Personalized Medicine
Classification: Likely pathogenic for Hypertrophic cardiomyopathy. Last evaluated: 2012-06-14. Review status: criteria provided, single submitter. Criteria: LMM Criteria. Collection method: clinical testing. Allele origin: germline. Inheritance: Autosomal dominant inheritance. Observed: 3 variant alleles.
Comment: This variant occurs in the 5' splice region. Computational tools su ggest an impact to splicing, though this information is not predictive enough to determine pathogenicity. Another variant at the same position (3330+5G>C) has s hown segregation with disease and causes skipping of exon 30, resulting in a pre mature termination codon that is predicted to lead to a truncated or absent prot ein (Watkins 1995). This variant likely has a similar effect on splicing, but ad ditional studies are needed to establish this with confidence. In summary, addit ional evidence such as with disease and functional effects are required to fully establish the pathogenicity of this variant.

Literature cited by the submitters: PubMed 25611685 (cited by Labcorp Genetics (formerly Invitae), Labcorp); PubMed 17576681 (cited by Labcorp Genetics (formerly Invitae), Labcorp); PubMed 9536098 (cited by Labcorp Genetics (formerly Invitae), Labcorp); PubMed 28679633 (cited by Labcorp Genetics (formerly Invitae), Labcorp); PubMed 7493025 (cited by Labcorp Genetics (formerly Invitae), Labcorp and Laboratory for Molecular Medicine, Mass General Brigham Personalized Medicine); PubMed 25132132 (cited by Labcorp Genetics (formerly Invitae), Labcorp).